The following is an entry in ClinVar:

ClinVar aggregate classification (germline): Uncertain significance. Review status: criteria provided, multiple submitters, no conflicts (2 of 4 stars). 5 submissions from 3 submitters: Uncertain significance (5). Last evaluated 2025-12-04.

Conditions:
Charcot-Marie-Tooth disease axonal type 2X. Also called: CHARCOT-MARIE-TOOTH DISEASE, AXONAL, AUTOSOMAL RECESSIVE, TYPE 2X; CHARCOT-MARIE-TOOTH NEUROPATHY, TYPE 2X. Identifiers: Orphanet 466775, MedGen C5569024, MONDO:0014726, OMIM 616668.
Amyotrophic lateral sclerosis type 5 (ALS5). Also called: AMYOTROPHIC LATERAL SCLEROSIS 5, JUVENILE. Identifiers: Orphanet 300605, MedGen C1865864, MONDO:0011196, OMIM 602099.
Hereditary spastic paraplegia 11. Also called: SPASTIC PARAPLEGIA, AUTOSOMAL RECESSIVE, COMPLICATED, WITH THIN CORPUS CALLOSUM; SPASTIC PARAPLEGIA, AUTOSOMAL RECESSIVE, WITH MENTAL IMPAIRMENT AND THIN CORPUS CALLOSUM; Nakamura Osame syndrome; Autosomal recessive hereditary spastic paraplegia, mental impairment, and thin corpus callosum; Spastic paraplegia, mental retardation and thin corpus callosum; Spastic Paraplegia 11. Identifiers: Orphanet 2822, MedGen C1858479, MONDO:0011445, OMIM 604360.

Allele frequency attached by ClinVar (database versions not stated): gnomAD exomes 0.00002; TOPMed 0.00002; ExAC 0.00003; ESP Exome Variant Server 0.00008.

Submissions (5):

Labcorp Genetics (formerly Invitae), Labcorp
Classification: Uncertain significance for Hereditary spastic paraplegia 11. Last evaluated: 2025-12-04. Review status: criteria provided, single submitter. Criteria: Invitae Variant Classification Sherloc (09022015). Collection method: clinical testing. Allele origin: germline.
Comment: This sequence change replaces cysteine, which is neutral and slightly polar, with tyrosine, which is neutral and polar, at codon 246 of the SPG11 protein (p.Cys246Tyr). This variant is present in population databases (rs376828731, gnomAD 0.004%). This variant has not been reported in the literature in individuals affected with SPG11-related conditions. ClinVar contains an entry for this variant (Variation ID: 316112). Invitae Evidence Modeling of protein sequence and biophysical properties (such as structural, functional, and spatial information, amino acid conservation, physicochemical variation, residue mobility, and thermodynamic stability) indicates that this missense variant is not expected to disrupt SPG11 protein function with a negative predictive value of 80%. In summary, the available evidence is currently insufficient to determine the role of this variant in disease. Therefore, it has been classified as a Variant of Uncertain Significance.

Illumina Laboratory Services, Illumina
Classification: Uncertain significance for Hereditary spastic paraplegia 11. Last evaluated: 2018-01-13. Review status: criteria provided, single submitter. Criteria: ICSL Variant Classification Criteria 13 December 2019. Collection method: clinical testing. Allele origin: germline.

Genome-Nilou Lab
Classification: Uncertain significance for Amyotrophic lateral sclerosis type 5. Review status: criteria provided, single submitter. Criteria: ACMG Guidelines, 2015. Collection method: clinical testing. Allele origin: germline.

Genome-Nilou Lab
Classification: Uncertain significance for Charcot-Marie-Tooth disease axonal type 2X. Review status: criteria provided, single submitter. Criteria: ACMG Guidelines, 2015. Collection method: clinical testing. Allele origin: germline.

Genome-Nilou Lab
Classification: Uncertain significance for Hereditary spastic paraplegia 11. Review status: criteria provided, single submitter. Criteria: ACMG Guidelines, 2015. Collection method: clinical testing. Allele origin: germline.

NM_025137.4(SPG11):c.737G>A (p.Cys246Tyr)

Gene: SPG11 (SPG11 vesicle trafficking associated, spatacsin; minus strand). Cytogenetic location: 15q21.1.
Variant type: single nucleotide variant.
Coding change: c.737G>A on transcript NM_025137.4 (MANE Select); coding-DNA position 737, G replaced by A.
Protein change: p.Cys246Tyr; replaces cysteine 246 with tyrosine.
Molecular consequence: missense variant.
Genome position (GRCh38, 1-based): chr15:44,657,227, C>T on the plus strand (G>A on the coding strand, the complement: SPG11 is on the minus strand). VCF-style: chr15-44657227-C-T. GRCh37 (hg19) VCF-style: chr15-44949425-C-T.
Other names: c.737G>A, p.Cys246Tyr (NM_001160227.2); short protein forms C246Y.
Identifiers: ClinVar variation 316112 (VCV000316112.11), dbSNP rs376828731, ClinGen allele CA7535733.
Genomic context (GRCh38, chr15:44,657,227, plus strand): 5'-TGAGAAACTTTCAGTGAAGTAAATGAAGAAATCTTGGCTGGCTCCTGTTGCTGCTCATTA[C>T]ACATGTCTTCTTTGTGAAGTGCTAAATCCACATGAGCTACATATGTACCATCCACAACAT-3'
Protein context (NP_079413.3, residues 236-256): VDLALHKEDM[Cys246Tyr]NEQQQEPAKI